The following is an entry in ClinVar:

ClinVar aggregate classification (germline): Pathogenic (1 of 4 stars; one submission).

Conditions:
Hereditary cancer-predisposing syndrome. Also called: Neoplastic Syndromes, Hereditary; Tumor predisposition; Hereditary neoplastic syndrome; Hereditary Cancer Syndrome. Identifiers: Orphanet 140162, MedGen C0027672, MeSH D009386, MONDO:0015356.

Submission:

Ambry Genetics
Classification: Pathogenic for Hereditary cancer-predisposing syndrome. Last evaluated: 2024-04-24. Review status: criteria provided, single submitter. Criteria: Ambry Variant Classification Scheme 2023. Collection method: clinical testing. Allele origin: germline.
Comment: The c.2517dupG pathogenic mutation, located in coding exon 18 of the TSC1 gene, results from a duplication of G at nucleotide position 2517, causing a translational frameshift with a predicted alternate stop codon (p.S840Vfs*64). This variant has been observed in at least one individual with a personal history that is consistent with TSC1-associated disease (Ambry internal data). This variant is considered to be rare based on population cohorts in the Genome Aggregation Database (gnomAD). This alteration is expected to result in loss of function by premature protein truncation or nonsense-mediated mRNA decay. As such, this alteration is interpreted as a disease-causing mutation.

NM_000368.5(TSC1):c.2517dup (p.Ser840fs)

Gene: TSC1 (TSC complex subunit 1; minus strand). Cytogenetic location: 9q34.13.
Variant type: Duplication.
Coding change: c.2517dup on transcript NM_000368.5 (MANE Select); coding-DNA position 2517, one base duplicated (G; older notation c.2517dupG).
Protein change: p.Ser840fs; shifts the reading frame from serine 840.
Molecular consequence: frameshift variant. On other transcripts: non-coding transcript variant (5).
Genome position (GRCh38, 1-based): chr9:132,900,823, C duplicated on the plus strand (G on the coding strand, the reverse complement: TSC1 is on the minus strand). VCF-style (leftmost placement, unchanged base first): chr9-132900822-A-AC. GRCh37 (hg19) VCF-style: chr9-135776209-A-AC.
Other names: c.2517dupG (NM_000368.4); c.2154dup, p.Ser719fs (NM_001406616.1, NM_001406617.1, NM_001406618.1 and 4 more transcripts); c.2151dup, p.Ser718fs (NM_001406620.1, NM_001406621.1, NM_001406622.1 and 1 more transcripts); c.2112dup, p.Ser705fs (NM_001406624.1); c.2109dup, p.Ser704fs (NM_001406625.1); c.1566dup, p.Ser523fs (NM_001406626.1); c.1563dup, p.Ser522fs (NM_001406627.1, NM_001406628.1); c.1464dup, p.Ser489fs (NM_001406629.1, NM_001406630.1); and 9 more; short protein forms S523fs, S825fs, S826fs, S839fs, S840fs, S522fs, S704fs, S705fs.
Identifiers: ClinVar variation 3329408 (VCV003329408.1).